The following is an entry in ClinVar:

NM_014714.4(IFT140):c.410G>A (p.Arg137Gln)

Genes: IFT140 (intraflagellar transport 140; minus strand), LOC105371046 (uncharacterized LOC105371046; plus strand). Cytogenetic location: 16p13.3.
Variant type: single nucleotide variant.
Coding change: c.410G>A on transcript NM_014714.4 (MANE Select); coding-DNA position 410, G replaced by A.
Protein change: p.Arg137Gln; replaces arginine 137 with glutamine.
Molecular consequence: missense variant.
Genome position (GRCh38, 1-based): chr16:1,592,548, C>T on the plus strand (G>A on the coding strand, the complement: IFT140 is on the minus strand). VCF-style: chr16-1592548-C-T. GRCh37 (hg19) VCF-style: chr16-1642549-C-T.
Other names: short protein forms R137Q.
Identifiers: ClinVar variation 318215 (VCV000318215.19), dbSNP rs145718272, ClinGen allele CA7814709.
Genomic context (GRCh38, chr16:1,592,548, plus strand): 5'-AAGATGCAGTGCGTGAGGTGTTTCCCATACTCGTGTTTCAGCAGAGGCGTCCCTTGCACT[C>T]GGCCCCTTTGGTCCAACCTCCACAAGAGCAAGACACCAAGCTGGAAAGACCCAACACCAC-3'
Protein context (NP_055529.2, residues 127-147): LLLWRLDQRG[Arg137Gln]VQGTPLLKHE

ClinVar aggregate classification (germline): Conflicting classifications of pathogenicity. Review status: criteria provided, conflicting classifications (1 of 4 stars). 6 submissions from 6 submitters: Uncertain significance (5); Likely benign (1). Last evaluated 2026-07-14.

Conditions:
Saldino-Mainzer syndrome (SRTD9). Also called: short-rib thoracic dysplasia 9 with or without polydactyly; SHORT-RIB THORACIC DYSPLASIA 9 WITHOUT POLYDACTYLY; Renal dysplasia, retinal pigmentary dystrophy, cerebellar ataxia and skeletal dysplasia; CONORENAL SYNDROME. Identifiers: Orphanet 140969, MedGen C1849437, MONDO:0009964, OMIM 266920.
IFT140-related disorder. Also called: IFT140-related condition.

Allele frequency attached by ClinVar (database versions not stated): ESP Exome Variant Server 0.00008; gnomAD exomes 0.00014 and 0.00025; gnomAD 0.00018 and 0.00021; ExAC 0.00023; TOPMed 0.00024.
gnomAD v4.1: 267 of 1,614,112 alleles (0.017%); highest among the groups gnomAD compares: Middle Eastern, 0.13%; no homozygotes.

Submissions (6):

PreventionGenetics, part of Exact Sciences
Classification: Uncertain significance for IFT140-related condition. Last evaluated: 2026-07-14. Review status: criteria provided, single submitter. Criteria: ACMG Guidelines, 2015. Collection method: clinical testing. Allele origin: germline.
Comment: The IFT140 c.410G>A variant is predicted to result in the amino acid substitution p.Arg137Gln. This variant in the compound heterozygous state has been reported in one patient with Mainzer–Saldino syndrome and in another patient with retinal dystrophies (Table 2, Hauer et al 2018. PubMed ID: 29758562; Biswas et al 2021. PubMed ID: 34662339). This variant is reported in 0.22% of alleles in individuals of Ashkenazi Jewish descent in gnomAD. At this time, the clinical significance of this variant is uncertain due to the absence of conclusive functional and genetic evidence.

Labcorp Genetics (formerly Invitae), Labcorp
Classification: Likely benign for Saldino-Mainzer syndrome. Last evaluated: 2026-01-28. Review status: criteria provided, single submitter. Criteria: Invitae Variant Classification Sherloc (09022015). Collection method: clinical testing. Allele origin: germline.

Blueprint Genetics
Classification: Uncertain significance. Last evaluated: 2024-10-30. Review status: criteria provided, single submitter. Criteria: ACMG Guidelines, 2015. Collection method: clinical testing. Allele origin: germline.

Women's Health and Genetics/Laboratory Corporation of America, LabCorp
Classification: Uncertain significance. Last evaluated: 2024-05-06. Review status: criteria provided, single submitter. Criteria: LabCorp Variant Classification Summary - May 2015. Collection method: clinical testing. Allele origin: germline.
Comment: Variant summary: IFT140 c.410G>A (p.Arg137Gln) results in a conservative amino acid change in the encoded protein sequence. Four of five in-silico tools predict a benign effect of the variant on protein function. The variant allele was found at a frequency of 0.00025 in 251244 control chromosomes. c.410G>A has been reported in the literature in individuals affected with short stature (Hauer_2018) and inherited retinal degeneration (Biswas_2021). These report(s) do not provide unequivocal conclusions about association of the variant with Asphyxiating Thoracic Dystrophy 1. To our knowledge, no experimental evidence demonstrating an impact on protein function has been reported. The following publications have been ascertained in the context of this evaluation (PMID: 34662339, 29758562). ClinVar contains an entry for this variant (Variation ID: 318215). Based on the evidence outlined above, the variant was classified as uncertain significance.

GeneDx
Classification: Uncertain significance. Last evaluated: 2020-05-08. Review status: criteria provided, single submitter. Criteria: GeneDx Variant Classification Process June 2021. Collection method: clinical testing. Allele origin: germline. Affected: yes.
Comment: In silico analysis supports that this missense variant does not alter protein structure/function; Observed with another variant (phase unknown) in an individual with idiopathic short stature in published literature (Hauer et al., 2018); This variant is associated with the following publications: (PMID: 29758562)

Illumina Laboratory Services, Illumina
Classification: Uncertain significance for Saldino-Mainzer syndrome. Last evaluated: 2018-01-12. Review status: criteria provided, single submitter. Criteria: ICSL Variant Classification Criteria 13 December 2019. Collection method: clinical testing. Allele origin: germline.

Literature cited by the submitters: PubMed 34662339 (cited by Women's Health and Genetics/Laboratory Corporation of America, LabCorp); PubMed 29758562 (cited by Women's Health and Genetics/Laboratory Corporation of America, LabCorp).